The following is an entry in ClinVar:

ClinVar aggregate classification (germline): Conflicting classifications of pathogenicity. Review status: criteria provided, conflicting classifications (1 of 4 stars). 16 submissions from 12 submitters: Uncertain significance (12); Likely benign (1). 3 of the submissions do not count toward it. Last evaluated 2025-11-19.

Conditions:
Hereditary cancer-predisposing syndrome. Also called: Neoplastic Syndromes, Hereditary; Hereditary neoplastic syndrome; Hereditary Cancer Syndrome; Tumor predisposition. Identifiers: Orphanet 140162, MedGen C0027672, MeSH D009386, MONDO:0015356.
Multiple endocrine neoplasia. Identifiers: Orphanet 276161, MedGen C0027662, MONDO:0017169.
Multiple endocrine neoplasia, type 2 (MEN2). Identifiers: Orphanet 653, MedGen C4048306, MONDO:0019003. Disease mechanism: gain of function.
Hirschsprung disease, susceptibility to, 1 (HSCR1). Also called: RET-Related Hirschsprung Disease. Identifiers: Orphanet 388, MedGen C3888239, MONDO:0007723, OMIM 142623.
Multiple endocrine neoplasia type 2B. Also called: MULTIPLE ENDOCRINE NEOPLASIA, TYPE IIB; Multiple endocrine neoplasia, type 3; MEN 2B; Multiple Endocrine Neoplasia Type 2B (MEN2B); MUCOSAL NEUROMA SYNDROME; MEN IIB. Identifiers: Orphanet 247709, Orphanet 653, MedGen C0025269, MeSH D018814, MONDO:0008082, OMIM 162300.
Multiple endocrine neoplasia type 2A. Also called: Multiple Endocrine Neoplasia Type 2A (MEN2A); MULTIPLE ENDOCRINE NEOPLASIA, TYPE IIA; PTC SYNDROME; SIPPLE SYNDROME; MEN 2A; MEN-2A syndrome. Identifiers: Orphanet 247698, Orphanet 653, MedGen C0025268, MeSH D018813, MONDO:0008234, OMIM 171400.
Renal hypodysplasia/aplasia 1 (RHDA1). Also called: HEREDITARY RENAL APLASIA; RENAL APLASIA. Identifiers: Orphanet 411709, MedGen C1619700, MONDO:0024519, OMIM 191830.
Familial medullary thyroid carcinoma (MTC). Also called: Thyroid cancer, familial medullary; MTC, familial; Familial Medullary Thyroid Carcinoma (FMTC). Identifiers: Orphanet 653, Orphanet 99361, MedGen C1833921, MONDO:0007958, OMIM 155240.
Pheochromocytoma. Also called: MAX-Related Hereditary Paraganglioma-Pheochromocytoma Syndrome. Identifiers: Orphanet 29072, MedGen C0031511, MONDO:0008233, OMIM 171300, HP:0002666.
RET-related disorder. Also called: RET-related condition; RET-related disease; RET-related disorders.

Allele frequency attached by ClinVar (database versions not stated): gnomAD 0.00001; gnomAD exomes 0.00001 and 0.00005; TOPMed 0.00003; ExAC 0.00001.

Submissions (16):

Labcorp Genetics (formerly Invitae), Labcorp
Classification: Uncertain significance for Multiple endocrine neoplasia, type 2. Last evaluated: 2025-11-19. Review status: criteria provided, single submitter. Criteria: Invitae Variant Classification Sherloc (09022015). Collection method: clinical testing. Allele origin: germline.
Comment: This sequence change replaces lysine, which is basic and polar, with asparagine, which is neutral and polar, at codon 994 of the RET protein (p.Lys994Asn). This variant is present in population databases (rs199718928, gnomAD 0.009%). This missense change has been observed in individual(s) with ependymoma (PMID: 26580448). ClinVar contains an entry for this variant (Variation ID: 41843). An algorithm developed to predict the effect of missense changes on protein structure and function (PolyPhen-2) suggests that this variant is likely to be disruptive. In summary, the available evidence is currently insufficient to determine the role of this variant in disease. Therefore, it has been classified as a Variant of Uncertain Significance.

PreventionGenetics, part of Exact Sciences
Classification: Uncertain significance for RET-related condition. Last evaluated: 2025-03-17. Review status: criteria provided, single submitter. Criteria: ACMG Guidelines, 2015. Collection method: clinical testing. Allele origin: germline.
Comment: The RET c.2982A>C variant is predicted to result in the amino acid substitution p.Lys994Asn. This variant has been reported in a pediatric patient with ependymoma and atherosclerosis (Table S1, Johnson et al. 2012. PubMed ID: 22703879; Table S4a, Zhang et al. 2015. PubMed ID: 26580448). This variant is reported in 0.010% of alleles in individuals of European (Non-Finnish) descent in gnomAD and has conflicting interpretations regarding its pathogenicity in ClinVar, ranging from likely benign to uncertain. At this time, the clinical significance of this variant is uncertain due to the absence of conclusive functional and genetic evidence.

All of Us Research Program, National Institutes of Health
Classification: Uncertain significance for Multiple endocrine neoplasia, type 2. Last evaluated: 2024-08-30. Review status: criteria provided, single submitter. Criteria: ACMG Guidelines, 2015. Collection method: clinical testing. Allele origin: germline. Inheritance: Autosomal dominant inheritance. Observed: 17 variant alleles, 17 heterozygotes.
Comment: This missense variant replaces lysine with asparagine at codon 994 of the RET protein. Computational prediction is inconclusive regarding the impact of this variant on protein structure and function (internally defined REVEL score threshold 0.5 < inconclusive < 0.7, PMID: 27666373). To our knowledge, functional studies have not been reported for this variant. This variant has been reported in an individual affected with ependymoma (PMID: 26580448). This variant has been identified in 13/282886 chromosomes in the general population by the Genome Aggregation Database (gnomAD). The available evidence is insufficient to determine the role of this variant in disease conclusively. Therefore, this variant is classified as a Variant of Uncertain Significance.

This study involves interpretation of variants in research participants for the purpose of population health screening. Participant phenotype was not available at the time of variant classification. Additional details can be found in publication PMID: 35346344, PMCID: PMC8962531

GeneDx
Classification: Uncertain significance. Last evaluated: 2024-07-30. Review status: criteria provided, single submitter. Criteria: GeneDx Variant Classification Process June 2021. Collection method: clinical testing. Allele origin: germline.
Comment: In silico analysis supports that this missense variant has a deleterious effect on protein structure/function; Observed in individuals with ependymoma and atherosclerosis (PMID: 26580448, 22703879); This variant is associated with the following publications: (PMID: 27600092, 26580448, 24336963, 22703879, 14633923)

Fulgent Genetics
Classification: Uncertain significance for Hirschsprung disease, susceptibility to, 1; Familial medullary thyroid carcinoma; Multiple endocrine neoplasia type 2B; Pheochromocytoma; Multiple endocrine neoplasia type 2A. Last evaluated: 2024-06-14. Review status: criteria provided, single submitter. Criteria: ACMG Guidelines, 2015. Collection method: clinical testing. Allele origin: germline.

Color Diagnostics, LLC DBA Color Health
Classification: Uncertain significance for Multiple endocrine neoplasia, type 2. Last evaluated: 2024-04-22. Review status: criteria provided, single submitter. Criteria: ACMG Guidelines, 2015. Collection method: clinical testing. Allele origin: germline.
Comment: This missense variant replaces lysine with asparagine at codon 994 of the RET protein. Computational prediction is inconclusive regarding the impact of this variant on protein structure and function. To our knowledge, functional studies have not been reported for this variant. This variant has been reported in an individual affected with ependymoma (PMID: 26580448). This variant has been identified in 13/282886 chromosomes in the general population by the Genome Aggregation Database (gnomAD). The available evidence is insufficient to determine the role of this variant in disease conclusively. Therefore, this variant is classified as a Variant of Uncertain Significance.

Quest Diagnostics Nichols Institute San Juan Capistrano
Classification: Uncertain significance. Last evaluated: 2023-10-31. Review status: criteria provided, single submitter. Criteria: Quest Diagnostics criteria. Collection method: clinical testing. Allele origin: unknown.

Baylor Genetics
Classification: Uncertain significance for Hirschsprung disease, susceptibility to, 1. Last evaluated: 2023-10-04. Review status: criteria provided, single submitter. Criteria: ACMG Guidelines, 2015. Collection method: clinical testing. Allele origin: unknown.

Ambry Genetics
Classification: Likely benign for Hereditary cancer-predisposing syndrome. Last evaluated: 2020-10-29. Review status: criteria provided, single submitter. Criteria: Ambry Variant Classification Scheme 2023. Collection method: clinical testing. Allele origin: germline.

Illumina Laboratory Services, Illumina
Classification: Uncertain significance for Multiple endocrine neoplasia. Last evaluated: 2019-01-11. Review status: criteria provided, single submitter. Criteria: ICSL Variant Classification Criteria 13 December 2019. Collection method: clinical testing. Allele origin: germline.
Comment: This variant was observed as part of a predisposition screen in an ostensibly healthy population. A literature search was performed for the gene, cDNA change, and amino acid change (where applicable). Publications were found based on this search. However, the evidence from the literature, in combination with allele frequency data from public databases where available, was not sufficient to rule this variant in or out of causing disease. Therefore, this variant is classified as a variant of unknown significance.

Illumina Laboratory Services, Illumina
Classification: Uncertain significance for Renal hypodysplasia/aplasia 1. Last evaluated: 2019-01-11. Review status: criteria provided, single submitter. Criteria: ICSL Variant Classification Criteria 13 December 2019. Collection method: clinical testing. Allele origin: germline.
Comment: the same text as in the submission from Illumina Laboratory Services, Illumina above.

Illumina Laboratory Services, Illumina
Classification: Uncertain significance for Pheochromocytoma. Last evaluated: 2019-01-11. Review status: criteria provided, single submitter. Criteria: ICSL Variant Classification Criteria 13 December 2019. Collection method: clinical testing. Allele origin: germline.
Comment: the same text as in the submission from Illumina Laboratory Services, Illumina above.

Illumina Laboratory Services, Illumina
Classification: Uncertain significance for Hirschsprung disease, susceptibility to, 1. Last evaluated: 2019-01-11. Review status: criteria provided, single submitter. Criteria: ICSL Variant Classification Criteria 13 December 2019. Collection method: clinical testing. Allele origin: germline.
Comment: the same text as in the submission from Illumina Laboratory Services, Illumina above.

Counsyl
Classification: Uncertain significance for Multiple endocrine neoplasia type 2B. Last evaluated: 2016-08-16. Review status: no assertion criteria provided. Collection method: clinical testing. Allele origin: unknown. Not counted in ClinVar's aggregate classification.

Counsyl
Classification: Uncertain significance for Multiple endocrine neoplasia type 2A. Last evaluated: 2016-08-16. Review status: no assertion criteria provided. Collection method: clinical testing. Allele origin: unknown. Not counted in ClinVar's aggregate classification.

Biesecker Lab/Clinical Genomics Section, National Institutes of Health
Classification: Uncertain significance. Last evaluated: 2012-07-13. Review status: no assertion criteria provided. Collection method: research. Allele origin: germline. Affected: no. Observed: 1 variant allele. Study: ClinSeq. Not counted in ClinVar's aggregate classification.
ClinVar note: Converted during submission from variant of unknown significance to Uncertain significance.

Literature cited by the submitters: PubMed 26580448 (cited by 5 submitters); PubMed 24336963 (cited by 3 submitters); PubMed 27600092 (cited by Ambry Genetics).

NM_020975.6(RET):c.2982A>C (p.Lys994Asn)

Gene: RET (ret proto-oncogene; plus strand). Cytogenetic location: 10q11.21.
Variant type: single nucleotide variant.
Coding change: c.2982A>C on transcript NM_020975.6 (MANE Select); coding-DNA position 2982, A replaced by C.
Protein change: p.Lys994Asn; replaces lysine 994 with asparagine.
Molecular consequence: missense variant.
Genome position (GRCh38, 1-based): chr10:43,124,925, A>C. VCF-style: chr10-43124925-A-C. GRCh37 (hg19) VCF-style: chr10-43620373-A-C.
Other names: c.2982A>C, p.Lys994Asn (NM_000323.2, NM_001406743.1, NM_001406744.1 and 4 more transcripts); c.2220A>C, p.Lys740Asn (NM_001355216.2); c.2853A>C, p.Lys951Asn (NM_001406761.1, NM_001406762.1, NM_001406764.1); c.2847A>C, p.Lys949Asn (NM_001406763.1, NM_001406765.1); c.2694A>C, p.Lys898Asn (NM_001406766.1, NM_001406767.1, NM_001406770.1); c.2718A>C, p.Lys906Asn (NM_001406768.1); c.2085A>C, p.Lys695Asn (NM_001406779.1, NM_001406780.1, NM_001406781.1 and 1 more transcripts); c.1956A>C, p.Lys652Asn (NM_001406783.1, NM_001406786.1); and 10 more; short protein forms K994N, K740N, K511N, K599N, K819N, K898N, K949N, K650N.
Identifiers: ClinVar variation 41843 (VCV000041843.68), dbSNP rs199718928, ClinGen allele CA009156.